The following is an entry in ClinVar:

ClinVar aggregate classification (germline): Uncertain significance (1 of 4 stars; one submission).

Conditions:
Cardiovascular phenotype. Identifiers: MedGen CN230736.

Submission:

Ambry Genetics
Classification: Uncertain significance for Cardiovascular phenotype. Last evaluated: 2025-06-28. Review status: criteria provided, single submitter. Criteria: Ambry Variant Classification Scheme 2023. Collection method: clinical testing. Allele origin: germline.
Comment: The p.L14F variant (also known as c.40C>T), located in coding exon 1 of the DSC2 gene, results from a C to T substitution at nucleotide position 40. The leucine at codon 14 is replaced by phenylalanine, an amino acid with highly similar properties. This amino acid position is conserved. In addition, this alteration is predicted to be tolerated by in silico analysis. Based on the available evidence, the clinical significance of this variant remains unclear.

NM_024422.6(DSC2):c.40C>T (p.Leu14Phe)

Genes: DSCAS (DSC1/DSC2 antisense RNA; plus strand), DSC2 (desmocollin 2; minus strand). Cytogenetic location: 18q12.1.
Variant type: single nucleotide variant.
Coding change: c.40C>T on transcript NM_024422.6 (MANE Select); coding-DNA position 40, C replaced by T.
Protein change: p.Leu14Phe; replaces leucine 14 with phenylalanine.
Molecular consequence: missense variant.
Genome position (GRCh38, 1-based): chr18:31,101,932, G>A on the plus strand (C>T on the coding strand, the complement: DSC2 is on the minus strand). VCF-style: chr18-31101932-G-A. GRCh37 (hg19) VCF-style: chr18-28681895-G-A.
Other names: c.40C>T, p.Leu14Phe (NM_004949.5); short protein forms L14F.
Identifiers: ClinVar variation 4244896 (VCV004244896.1).